The following is an entry in ClinVar:

NM_032043.3(BRIP1):c.1939T>G (p.Trp647Gly)

Gene: BRIP1 (BRCA1 interacting DNA helicase 1; minus strand). Cytogenetic location: 17q23.2.
Variant type: single nucleotide variant.
Coding change: c.1939T>G on transcript NM_032043.3 (MANE Select); coding-DNA position 1939, T replaced by G.
Protein change: p.Trp647Gly; replaces tryptophan 647 with glycine.
Molecular consequence: missense variant.
Genome position (GRCh38, 1-based): chr17:61,776,559, A>C on the plus strand (T>G on the coding strand, the complement: BRIP1 is on the minus strand). VCF-style: chr17-61776559-A-C. GRCh37 (hg19) VCF-style: chr17-59853920-A-C.
Other names: short protein forms W647G.
Identifiers: ClinVar variation 1995013 (VCV001995013.5), dbSNP rs2145034436, ClinGen allele CA400478644.

ClinVar aggregate classification (germline): Uncertain significance. Review status: criteria provided, multiple submitters, no conflicts (2 of 4 stars). 2 submissions from 2 submitters: Uncertain significance (2). Last evaluated 2025-10-21.

Conditions:
Hereditary cancer-predisposing syndrome. Also called: Hereditary Cancer Syndrome; Tumor predisposition; Hereditary neoplastic syndrome; Neoplastic Syndromes, Hereditary. Identifiers: Orphanet 140162, MedGen C0027672, MeSH D009386, MONDO:0015356.
Familial cancer of breast. Also called: BREAST CANCER, FAMILIAL; Hereditary breast cancer; hereditary breast carcinoma. Identifiers: Orphanet 227535, MedGen C0346153, MONDO:0016419, OMIM 114480. Disease mechanism: loss of function.
Fanconi anemia complementation group J. Also called: BRIP1-Related Fanconi Anemia. Identifiers: Orphanet 84, MedGen C1836860, MONDO:0012187, OMIM 609054.

Submissions (2):

Ambry Genetics
Classification: Uncertain significance for Hereditary cancer-predisposing syndrome. Last evaluated: 2025-10-21. Review status: criteria provided, single submitter. Criteria: Ambry Variant Classification Scheme 2023. Collection method: clinical testing. Allele origin: germline.
Comment: The p.W647G variant (also known as c.1939T>G), located in coding exon 13 of the BRIP1 gene, results from a T to G substitution at nucleotide position 1939. The tryptophan at codon 647 is replaced by glycine, an amino acid with highly dissimilar properties. This amino acid position is highly conserved in available vertebrate species. In addition, this alteration is predicted to be deleterious by in silico analysis. Based on the available evidence, the clinical significance of this variant remains unclear.

Labcorp Genetics (formerly Invitae), Labcorp
Classification: Uncertain significance for Familial cancer of breast; Fanconi anemia complementation group J. Last evaluated: 2022-05-30. Review status: criteria provided, single submitter. Criteria: Invitae Variant Classification Sherloc (09022015). Collection method: clinical testing. Allele origin: germline.
Comment: This sequence change replaces tryptophan, which is neutral and slightly polar, with glycine, which is neutral and non-polar, at codon 647 of the BRIP1 protein (p.Trp647Gly). This variant is not present in population databases (gnomAD no frequency). This variant has not been reported in the literature in individuals affected with BRIP1-related conditions. Algorithms developed to predict the effect of missense changes on protein structure and function are either unavailable or do not agree on the potential impact of this missense change (SIFT: "Deleterious"; PolyPhen-2: "Probably Damaging"; Align-GVGD: "Class C0"). In summary, the available evidence is currently insufficient to determine the role of this variant in disease. Therefore, it has been classified as a Variant of Uncertain Significance.